The following is an entry in ClinVar:

NM_000551.4(VHL):c.243G>A (p.Pro81=)

Gene: VHL (von Hippel-Lindau tumor suppressor; plus strand). Cytogenetic location: 3p25.3.
Variant type: single nucleotide variant.
Coding change: c.243G>A on transcript NM_000551.4 (MANE Select); coding-DNA position 243, G replaced by A.
Protein change: p.Pro81=; no amino-acid change (proline 81 retained).
Molecular consequence: synonymous variant. On other transcripts: non-coding transcript variant (1).
Genome position (GRCh38, 1-based): chr3:10,142,090, G>A. VCF-style: chr3-10142090-G-A. GRCh37 (hg19) VCF-style: chr3-10183774-G-A.
Other names: c.243G>A, p.Pro81= (NM_001354723.2, NM_198156.3).
Identifiers: ClinVar variation 3468038 (VCV003468038.4).

ClinVar aggregate classification (germline): Benign/Likely benign. Review status: criteria provided, multiple submitters, no conflicts (2 of 4 stars). 3 submissions from 3 submitters: Benign (1); Likely benign (2). Last evaluated 2025-06-10.

Conditions:
Von Hippel-Lindau syndrome (VHLS). Also called: VHL syndrome; von Hippel–Lindau syndrome; Von Hippel-Lindau. Identifiers: Orphanet 892, MedGen C0019562, MONDO:0008667, OMIM 193300. Disease mechanism: loss of function.
Hereditary cancer-predisposing syndrome. Also called: Hereditary Cancer Syndrome; Hereditary neoplastic syndrome; Neoplastic Syndromes, Hereditary; Tumor predisposition. Identifiers: Orphanet 140162, MedGen C0027672, MeSH D009386, MONDO:0015356.
Chuvash polycythemia. Also called: POLYCYTHEMIA, VHL-DEPENDENT. Identifiers: Orphanet 238557, MedGen C1837915, MONDO:0009892, OMIM 263400.

gnomAD v4.1: 4 of 1,604,786 alleles (0.00025%); highest among the groups gnomAD compares: Non-Finnish European, 0.00025%; no homozygotes.

Submissions (3):

Myriad Genetics, Inc.
Classification: Benign for Von Hippel-Lindau syndrome. Last evaluated: 2025-06-10. Review status: criteria provided, single submitter. Criteria: Myriad Autosomal Dominant, Autosomal Recessive and X-Linked Classification Criteria (2023). Collection method: clinical testing. Allele origin: unknown.
Comment: This variant is considered benign. This variant is a silent/synonymous amino acid change and it is not expected to impact splicing.

Ambry Genetics
Classification: Likely benign for Hereditary cancer-predisposing syndrome. Last evaluated: 2024-12-06. Review status: criteria provided, single submitter. Criteria: Ambry Variant Classification Scheme 2023. Collection method: clinical testing. Allele origin: germline.

Labcorp Genetics (formerly Invitae), Labcorp
Classification: Likely benign for Von Hippel-Lindau syndrome; Chuvash polycythemia. Last evaluated: 2024-12-05. Review status: criteria provided, single submitter. Criteria: Invitae Variant Classification Sherloc (09022015). Collection method: clinical testing. Allele origin: germline.